The following is an entry in ClinVar:

ClinVar aggregate classification (germline): Uncertain significance. Review status: criteria provided, multiple submitters, no conflicts (2 of 4 stars). 4 submissions from 4 submitters: Uncertain significance (3). 1 of the submissions does not count toward it. Last evaluated 2024-07-05.

Conditions:
FBLN5-related disorder. Also called: FBLN5-related condition.

Allele frequency attached by ClinVar (database versions not stated): ExAC 0.00001.
gnomAD v4.1: 9 of 1,614,132 alleles (0.00056%); highest among the groups gnomAD compares: Non-Finnish European, 0.00076%; no homozygotes.

Submissions (4):

Blueprint Genetics
Classification: Uncertain significance. Last evaluated: 2024-07-05. Review status: criteria provided, single submitter. Criteria: ACMG Guidelines, 2015. Collection method: clinical testing. Allele origin: germline.

Women's Health and Genetics/Laboratory Corporation of America, LabCorp
Classification: Uncertain significance. Last evaluated: 2024-01-25. Review status: criteria provided, single submitter. Criteria: LabCorp Variant Classification Summary - May 2015. Collection method: clinical testing. Allele origin: germline.
Comment: Variant summary: FBLN5 c.1226C>T (p.Pro409Leu) results in a non-conservative amino acid change in the encoded protein sequence. Five of five in-silico tools predict a damaging effect of the variant on protein function. The variant allele was found at a frequency of 8e-06 in 251366 control chromosomes (gnomAD). The available data on variant occurrences in the general population are insufficient to allow any conclusion about variant significance. To our knowledge, no occurrence of c.1226C>T in individuals affected with FBLN5-Related Disorders and no experimental evidence demonstrating its impact on protein function have been reported. ClinVar contains an entry for this variant (Variation ID: 2180121). Based on the evidence outlined above, the variant was classified as uncertain significance.

Labcorp Genetics (formerly Invitae), Labcorp
Classification: Uncertain significance. Last evaluated: 2023-12-29. Review status: criteria provided, single submitter. Criteria: Invitae Variant Classification Sherloc (09022015). Collection method: clinical testing. Allele origin: germline.
Comment: This sequence change replaces proline, which is neutral and non-polar, with leucine, which is neutral and non-polar, at codon 409 of the FBLN5 protein (p.Pro409Leu). This variant is present in population databases (rs765949465, gnomAD 0.002%). This variant has not been reported in the literature in individuals affected with FBLN5-related conditions. ClinVar contains an entry for this variant (Variation ID: 2180121). Advanced modeling of protein sequence and biophysical properties (such as structural, functional, and spatial information, amino acid conservation, physicochemical variation, residue mobility, and thermodynamic stability) performed at Invitae indicates that this missense variant is not expected to disrupt FBLN5 protein function with a negative predictive value of 80%. In summary, the available evidence is currently insufficient to determine the role of this variant in disease. Therefore, it has been classified as a Variant of Uncertain Significance.

PreventionGenetics, part of Exact Sciences
Classification: Uncertain significance for FBLN5-related condition. Last evaluated: 2024-08-08. Review status: no assertion criteria provided. Collection method: clinical testing. Allele origin: germline. Not counted in ClinVar's aggregate classification.
Comment: The FBLN5 c.1226C>T variant is predicted to result in the amino acid substitution p.Pro409Leu. To our knowledge, this variant has not been reported in the literature. This variant is reported in 0.0018% of alleles in individuals of European (Non-Finnish) descent in gnomAD. At this time, the clinical significance of this variant is uncertain due to the absence of conclusive functional and genetic evidence.

NM_006329.4(FBLN5):c.1226C>T (p.Pro409Leu)

Gene: FBLN5 (fibulin 5; minus strand). Cytogenetic location: 14q32.12.
Variant type: single nucleotide variant.
Coding change: c.1226C>T on transcript NM_006329.4 (MANE Select); coding-DNA position 1226, C replaced by T.
Protein change: p.Pro409Leu; replaces proline 409 with leucine.
Molecular consequence: missense variant. On other transcripts: 3 prime UTR variant (2).
Genome position (GRCh38, 1-based): chr14:91,870,345, G>A on the plus strand (C>T on the coding strand, the complement: FBLN5 is on the minus strand). VCF-style: chr14-91870345-G-A. GRCh37 (hg19) VCF-style: chr14-92336689-G-A.
Other names: c.1349C>T, p.Pro450Leu (NM_001384158.1); c.1277C>T, p.Pro426Leu (NM_001384159.1); c.*10C>T (NM_001384160.1, NM_001384161.1); c.1058C>T, p.Pro353Leu (NM_001384162.1); short protein forms P353L, P426L, P450L, P409L.
Identifiers: ClinVar variation 2180121 (VCV002180121.7), dbSNP rs765949465, ClinGen allele CA7312579.